The following is an entry in ClinVar:

ClinVar aggregate classification (germline): Uncertain significance (1 of 4 stars; one submission).

Submission:

GeneDx
Classification: Uncertain significance. Last evaluated: 2021-11-15. Review status: criteria provided, single submitter. Criteria: GeneDx Variant Classification Process June 2021. Collection method: clinical testing. Allele origin: germline. Affected: yes.
Comment: Not observed at significant frequency in large population cohorts (Lek et al., 2016); In silico analysis supports that this missense variant does not alter protein structure/function; Has not been previously published as pathogenic or benign to our knowledge; In-silico analysis is inconclusive as to whether the variant alters gene splicing. In the absence of RNA/functional studies, the actual effect of this sequence change is unknown.

NM_183357.3(ADCY5):c.3331A>G (p.Ile1111Val)

Gene: ADCY5 (adenylate cyclase 5; minus strand). Cytogenetic location: 3q21.1.
Variant type: single nucleotide variant.
Coding change: c.3331A>G on transcript NM_183357.3 (MANE Select); coding-DNA position 3331, A replaced by G.
Protein change: p.Ile1111Val; replaces isoleucine 1111 with valine.
Molecular consequence: missense variant.
Genome position (GRCh38, 1-based): chr3:123,289,951, T>C on the plus strand (A>G on the coding strand, the complement: ADCY5 is on the minus strand). VCF-style: chr3-123289951-T-C. GRCh37 (hg19) VCF-style: chr3-123008798-T-C.
Other names: c.2281A>G, p.Ile761Val (NM_001199642.1); c.3406A>G, p.Ile1136Val (NM_001378259.1); short protein forms I1111V, I1136V, I761V.
Identifiers: ClinVar variation 1327280 (VCV001327280.2), dbSNP rs2108184720, ClinGen allele CA354223290.
Genomic context (GRCh38, chr3:123,289,951, plus strand): 5'-CCATGTAGGTGCTGCCGATGGTCTTGATCTTCTCCAGCTGCCGGAACCGATCCTCGCTGA[T>C]GATCTGGATGAAGGAGGCCAAACCTGGGTCACCCCAAGCCTGGGACACCGAGGGCCACAG-3'
Protein context (NP_899200.1, residues 1101-1121): NEIIADFDEI[Ile1111Val]SEDRFRQLEK